The following is an entry in ClinVar:

NM_005412.6(SHMT2):c.1123+5G>A

Gene: SHMT2 (serine hydroxymethyltransferase 2; plus strand). Cytogenetic location: 12q13.3.
Variant type: single nucleotide variant.
Coding change: c.1123+5G>A on transcript NM_005412.6 (MANE Select); 5 bases into the intron after coding-DNA position 1123, G replaced by A.
Molecular consequence: intron variant.
Genome position (GRCh38, 1-based): chr12:57,233,667, G>A. VCF-style: chr12-57233667-G-A. GRCh37 (hg19) VCF-style: chr12-57627450-G-A.
Other names: c.1093+5G>A (NM_001166356.2); c.1060+5G>A (NM_001166358.2, NM_001166359.1, NM_001166357.1).
Identifiers: ClinVar variation 2294908 (VCV002294908.2), dbSNP rs1452868845, ClinGen allele CA605704652.

ClinVar aggregate classification (germline): Uncertain significance (1 of 4 stars; one submission).

Conditions:
Inborn genetic diseases. Identifiers: MedGen C0950123, MeSH D030342.

Allele frequency attached by ClinVar (database versions not stated): gnomAD exomes 0.00001; TOPMed 0.00001.

Submission:

Ambry Genetics
Classification: Uncertain significance for Inborn genetic diseases. Last evaluated: 2022-07-30. Review status: criteria provided, single submitter. Criteria: Ambry Variant Classification Scheme 2023. Collection method: clinical testing. Allele origin: germline.
Comment: The c.1123+5G>A intronic alteration consists of a G to A substitution 5 nucleotides after exon 9 of the SHMT2 gene. Based on insufficient or conflicting evidence, the clinical significance of this alteration remains unclear.